The following is an entry in ClinVar:

ClinVar aggregate classification (germline): Uncertain significance (1 of 4 stars; one submission).

gnomAD v4.1: 1 of 1,614,160 alleles (0.000062%); highest among the groups gnomAD compares: Non-Finnish European, 0.000085%; no homozygotes.

Submission:

Labcorp Genetics (formerly Invitae), Labcorp
Classification: Uncertain significance. Last evaluated: 2023-05-07. Review status: criteria provided, single submitter. Criteria: Invitae Variant Classification Sherloc (09022015). Collection method: clinical testing. Allele origin: germline.
Comment: This sequence change replaces tyrosine, which is neutral and polar, with aspartic acid, which is acidic and polar, at codon 882 of the CSF2RB protein (p.Tyr882Asp). In summary, the available evidence is currently insufficient to determine the role of this variant in disease. Therefore, it has been classified as a Variant of Uncertain Significance. An algorithm developed to predict the effect of missense changes on protein structure and function (PolyPhen-2) suggests that this variant is likely to be disruptive. ClinVar contains an entry for this variant (Variation ID: 1958594). This variant has not been reported in the literature in individuals affected with CSF2RB-related conditions. This variant is present in population databases (no rsID available, gnomAD 0.0009%).

NM_000395.3(CSF2RB):c.2644T>G (p.Tyr882Asp)

Gene: CSF2RB (colony stimulating factor 2 receptor subunit beta; plus strand). Cytogenetic location: 22q12.3.
Variant type: single nucleotide variant.
Coding change: c.2644T>G on transcript NM_000395.3 (MANE Select); coding-DNA position 2644, T replaced by G.
Protein change: p.Tyr882Asp; replaces tyrosine 882 with aspartic acid.
Molecular consequence: missense variant.
Genome position (GRCh38, 1-based): chr22:36,938,452, T>G. VCF-style: chr22-36938452-T-G. GRCh37 (hg19) VCF-style: chr22-37334494-T-G.
Other names: c.2662T>G, p.Tyr888Asp (NM_001410827.1); short protein forms Y888D, Y882D.
Identifiers: ClinVar variation 1958594 (VCV001958594.5), dbSNP rs937501020, ClinGen allele CA324005793.
Genomic context (GRCh38, chr22:36,938,452, plus strand): 5'-GGCCAGGCTGTGCCCCAGGTGCCCGTCATTCAGCTCTTCAAAGCCCTGAAGCAGCAGGAC[T>G]ACCTGTCTCTGCCCCCTTGGGAGGTCAACAAGCCTGGGGAGGTGTGTTGAGACCCCCAGG-3'
Protein context (NP_000386.1, residues 872-892): QLFKALKQQD[Tyr882Asp]LSLPPWEVNK